The following is an entry in ClinVar:

ClinVar aggregate classification (germline): Uncertain significance (1 of 4 stars; one submission).

Submission:

Labcorp Genetics (formerly Invitae), Labcorp
Classification: Uncertain significance. Last evaluated: 2025-06-18. Review status: criteria provided, single submitter. Criteria: Invitae Variant Classification Sherloc (09022015). Collection method: clinical testing. Allele origin: germline.
Comment: This sequence change replaces arginine, which is basic and polar, with serine, which is neutral and polar, at codon 1247 of the ASXL1 protein (p.Arg1247Ser). This variant is not present in population databases (gnomAD no frequency). This variant has not been reported in the literature in individuals affected with ASXL1-related conditions. An algorithm developed to predict the effect of missense changes on protein structure and function (PolyPhen-2) suggests that this variant is likely to be tolerated. In summary, the available evidence is currently insufficient to determine the role of this variant in disease. Therefore, it has been classified as a Variant of Uncertain Significance.

NM_015338.6(ASXL1):c.3739C>A (p.Arg1247Ser)

Gene: ASXL1 (ASXL transcriptional regulator 1; plus strand). Cytogenetic location: 20q11.21.
Variant type: single nucleotide variant.
Coding change: c.3739C>A on transcript NM_015338.6 (MANE Select); coding-DNA position 3739, C replaced by A.
Protein change: p.Arg1247Ser; replaces arginine 1247 with serine.
Molecular consequence: missense variant.
Genome position (GRCh38, 1-based): chr20:32,436,451, C>A. VCF-style: chr20-32436451-C-A. GRCh37 (hg19) VCF-style: chr20-31024254-C-A.
Other names: c.3556C>A, p.Arg1186Ser (NM_001363734.1); short protein forms R1186S, R1247S.
Identifiers: ClinVar variation 4766629 (VCV004766629.1).
Genomic context (GRCh38, chr20:32,436,451, plus strand): 5'-GAAGAAATGGATTCCAAAGAGCAGTTCTCTTCCTTTAGTTGTGAAGATCAGAAGGAAGTC[C>A]GTGCTATGTCACAGGACAGTAATTCAAATGCTGCTCCAGGAAAGAGCCCAGGAGATCTTA-3'
Protein context (NP_056153.2, residues 1237-1257): SFSCEDQKEV[Arg1247Ser]AMSQDSNSNA